The following is an entry in ClinVar:

ClinVar aggregate classification (germline): Uncertain significance (1 of 4 stars; one submission).

Allele frequency attached by ClinVar (database versions not stated): gnomAD exomes 0.00001; ExAC 0.00002; TOPMed 0.00002; gnomAD 0.00003.
gnomAD v4.1: 23 of 1,612,964 alleles (0.0014%); highest among the groups gnomAD compares: Non-Finnish European, 0.0019%; no homozygotes.

Submission:

Labcorp Genetics (formerly Invitae), Labcorp
Classification: Uncertain significance. Last evaluated: 2024-09-23. Review status: criteria provided, single submitter. Criteria: Invitae Variant Classification Sherloc (09022015). Collection method: clinical testing. Allele origin: germline.
Comment: This sequence change falls in intron 7 of the TSPAN12 gene. It does not directly change the encoded amino acid sequence of the TSPAN12 protein. It affects a nucleotide within the consensus splice site. This variant is present in population databases (rs752095641, gnomAD 0.002%). This variant has not been reported in the literature in individuals affected with TSPAN12-related conditions. ClinVar contains an entry for this variant (Variation ID: 1946695). Variants that disrupt the consensus splice site are a relatively common cause of aberrant splicing (PMID: 17576681, 9536098). Algorithms developed to predict the effect of sequence changes on RNA splicing suggest that this variant is not likely to affect RNA splicing. In summary, the available evidence is currently insufficient to determine the role of this variant in disease. Therefore, it has been classified as a Variant of Uncertain Significance.

Literature cited by the submitters: PubMed 17576681; PubMed 9536098.

NM_012338.4(TSPAN12):c.612+4A>G

Gene: TSPAN12 (tetraspanin 12; minus strand). Cytogenetic location: 7q31.31.
Variant type: single nucleotide variant.
Coding change: c.612+4A>G on transcript NM_012338.4 (MANE Select); 4 bases into the intron after coding-DNA position 612, A replaced by G.
Molecular consequence: intron variant.
Genome position (GRCh38, 1-based): chr7:120,806,545, T>C on the plus strand (A>G on the coding strand, the complement: TSPAN12 is on the minus strand). VCF-style: chr7-120806545-T-C. GRCh37 (hg19) VCF-style: chr7-120446599-T-C.
Identifiers: ClinVar variation 1946695 (VCV001946695.5), dbSNP rs752095641, ClinGen allele CA4453850.